The following is an entry in ClinVar:

ClinVar aggregate classification (germline): Uncertain significance (1 of 4 stars; one submission).

Conditions:
Cohen syndrome (COH1). Also called: Cutis verticis gyrata, retinitis pigmentosa, and sensorineural deafness; PEPPER SYNDROME. Identifiers: Orphanet 193, MedGen C0265223, MONDO:0008999, OMIM 216550.

Submission:

Labcorp Genetics (formerly Invitae), Labcorp
Classification: Uncertain significance for Cohen syndrome. Last evaluated: 2022-06-12. Review status: criteria provided, single submitter. Criteria: Invitae Variant Classification Sherloc (09022015). Collection method: clinical testing. Allele origin: germline.
Comment: In summary, the available evidence is currently insufficient to determine the role of this variant in disease. Therefore, it has been classified as a Variant of Uncertain Significance. Algorithms developed to predict the effect of missense changes on protein structure and function are either unavailable or do not agree on the potential impact of this missense change (SIFT: "Not Available"; PolyPhen-2: "Possibly Damaging"; Align-GVGD: "Not Available"). This variant has not been reported in the literature in individuals affected with VPS13B-related conditions. This variant is not present in population databases (gnomAD no frequency). This sequence change replaces glutamic acid, which is acidic and polar, with glutamine, which is neutral and polar, at codon 363 of the VPS13B protein (p.Glu363Gln).

NM_152564.5(VPS13B):c.1087G>C (p.Glu363Gln)

Gene: VPS13B (vacuolar protein sorting 13 homolog B; plus strand). Cytogenetic location: 8q22.2.
Variant type: single nucleotide variant.
Coding change: c.1087G>C on transcript NM_152564.5 (MANE Select); coding-DNA position 1087, G replaced by C.
Protein change: p.Glu363Gln; replaces glutamic acid 363 with glutamine.
Molecular consequence: missense variant. On other transcripts: non-coding transcript variant (1).
Genome position (GRCh38, 1-based): chr8:99,121,326, G>C. VCF-style: chr8-99121326-G-C. GRCh37 (hg19) VCF-style: chr8-100133554-G-C.
Other names: c.1087G>C, p.Glu363Gln (NM_015243.3, NM_017890.5, NM_181661.3); short protein forms E363Q.
Identifiers: ClinVar variation 2005254 (VCV002005254.4), dbSNP rs116951775, ClinGen allele CA371861088.